The following is an entry in ClinVar:

NM_001386298.1(CIC):c.2634C>T (p.Ala878=)

Gene: CIC (capicua transcriptional repressor; plus strand). Cytogenetic location: 19q13.2.
Variant type: single nucleotide variant.
Coding change: c.2634C>T on transcript NM_001386298.1 (MANE Select); coding-DNA position 2634, C replaced by T.
Protein change: p.Ala878=; no amino-acid change (alanine 878 retained).
Molecular consequence: synonymous variant. On other transcripts: genic upstream transcript variant (1).
Genome position (GRCh38, 1-based): chr19:42,274,417, C>T. VCF-style: chr19-42274417-C-T. GRCh37 (hg19) VCF-style: chr19-42778569-C-T.
Other names: c.2634C>T, p.Ala878= (NM_001304815.2, NM_001379480.1, NM_001379482.1); c.-10288C>T (NM_015125.5).
Identifiers: ClinVar variation 3895846 (VCV003895846.1).

ClinVar aggregate classification (germline): Uncertain significance (1 of 4 stars; one submission).

gnomAD v4.1: 8 of 399,034 alleles (0.002%); highest among the groups gnomAD compares: South Asian, 0.013%; no homozygotes.

Submission:

Women's Health and Genetics/Laboratory Corporation of America, LabCorp
Classification: Uncertain significance. Last evaluated: 2025-03-04. Review status: criteria provided, single submitter. Criteria: LabCorp Variant Classification Summary - May 2015. Collection method: clinical testing. Allele origin: germline.
Comment: Variant summary: CIC c.-10288C>T is located in the untranscribed region upstream of the CIC gene region and it corresponds to a synonymous change, c.2634C>T (p.Ala878Ala) in an alternative transcript NM_001304815. Several computational tools predict a significant impact on normal splicing within the alternative transript: One predicts the variant creates a cryptic 3' acceptor site and one predicts the variant strengthens this cryptic 3' acceptor site. However, these predictions have yet to be confirmed by functional studies. The frequency data for this variant in gnomAD is considered unreliable, as metrics indicate poor data quality at this position. To our knowledge, no occurrence of c.-10288C>T in individuals affected with Mental Retardation, Autosomal Dominant 45 and no experimental evidence demonstrating its impact on protein function have been reported. No submitters have cited clinical-significance assessments for this variant to ClinVar. Based on the evidence outlined above, the variant was classified as uncertain significance.